The following is an entry in ClinVar:

NM_001257180.2(SLC20A2):c.1794+1G>C

Gene: SLC20A2 (solute carrier family 20 member 2; minus strand). Cytogenetic location: 8p11.21.
Variant type: single nucleotide variant.
Coding change: c.1794+1G>C on transcript NM_001257180.2 (MANE Select); the canonical splice donor site of the intron after coding-DNA position 1794, G replaced by C.
Molecular consequence: splice donor variant.
Genome position (GRCh38, 1-based): chr8:42,428,757, C>G on the plus strand (G>C on the coding strand, the complement: SLC20A2 is on the minus strand). VCF-style: chr8-42428757-C-G. GRCh37 (hg19) VCF-style: chr8-42286275-C-G.
Other names: c.1794+1G>C (NM_001257180.1, NM_006749.5, NM_001257181.2).
Identifiers: ClinVar variation 1339721 (VCV001339721.5), dbSNP rs1052304545, ClinGen allele CA176005445.
Genomic context (GRCh38, chr8:42,428,757, plus strand): 5'-CCGGTGGCCCTGGACCTGTCCCAGCGGCCTGGGGAAGGGCTCCCGGCTAGCAGGGGCCTA[C>G]CTTACAGTGCGTGGTGCTGACTGGAAGCCCGATGTTGGAGGCGATCACCACTGTGAAGGC-3'

ClinVar aggregate classification (germline): Pathogenic/Likely pathogenic. Review status: criteria provided, multiple submitters, no conflicts (2 of 4 stars). 3 submissions from 3 submitters: Pathogenic (2); Likely pathogenic (1). Last evaluated 2025-05-01.

Conditions:
Idiopathic basal ganglia calcification 1 (PFBC1A). Also called: PRIMARY FAMILIAL BRAIN CALCIFICATION 1A, AUTOSOMAL DOMINANT; Fahr's syndrome; Cerebral calcification nonarteriosclerotic idiopathic adult-onset; Striopallidodentate calcinosis autosomal dominant adult-onset; Ferrocalcinosis, cerebrovascular; Fahr disease, familial (formerly). Identifiers: Orphanet 1980, MedGen C4551624, MONDO:0024538, OMIM 213600.
SLC20A2-related disorder. Also called: SLC20A2-related condition.

Allele frequency attached by ClinVar (database versions not stated): gnomAD 0.00001; TOPMed 0.00001.
gnomAD v4.1: 4 of 1,610,522 alleles (0.00025%); highest among the groups gnomAD compares: African/African-American, 0.0013%; no homozygotes.

Submissions (3):

PreventionGenetics, part of Exact Sciences
Classification: Pathogenic for SLC20A2-related condition. Last evaluated: 2025-05-01. Review status: criteria provided, single submitter. Criteria: ACMG Guidelines, 2015. Collection method: clinical testing. Allele origin: germline.
Comment: The SLC20A2 c.1794+1G>C variant is predicted to disrupt the GT donor site and interfere with normal splicing. This variant was reported in a patient with idiopathic basal ganglia calcification (F29 in Hsu et al. 2013. PubMed ID: 23334463). This variant is reported in 0.0065% of alleles in individuals of European (Non-Finnish) descent in gnomAD. Of note, other variants disrupting the c.1794 donor site (c.1794+1G>A/T) have also been reported in patients with idiopathic basal ganglia calcification (Hsu et al. 2013. PubMed ID: 23334463; Guo et. 2019. PubMed ID: 30609140). Variants that disrupt the consensus splice donor site in SLC20A2 are expected to be pathogenic. Therefore, we interpret the c.1794+1G>C variant as pathogenic.

GeneDx
Classification: Pathogenic. Last evaluated: 2022-09-19. Review status: criteria provided, single submitter. Criteria: GeneDx Variant Classification Process June 2021. Collection method: clinical testing. Allele origin: germline. Affected: yes.
Comment: Identified in a patient with IBGC in published literature (Hsu et al., 2013); Canonical splice site variant predicted to result in a null allele in a gene for which loss of function is a known mechanism of disease; Not observed at significant frequency in large population cohorts (gnomAD); This variant is associated with the following publications: (PMID: 23334463, 25726928)

Women's Health and Genetics/Laboratory Corporation of America, LabCorp
Classification: Likely pathogenic for Idiopathic basal ganglia calcification 1. Last evaluated: 2022-01-19. Review status: criteria provided, single submitter. Criteria: LabCorp Variant Classification Summary - May 2015. Collection method: clinical testing. Allele origin: germline.
Comment: Variant summary: SLC20A2 c.1794+1G>C is located in a canonical splice-site and is predicted to affect mRNA splicing resulting in a significantly altered protein due to either exon skipping, shortening, or inclusion of intronic material. Several computational tools predict a significant impact on normal splicing: Four predict the variant abolishes a canonical 5' splicing donor site. However, these predictions have yet to be confirmed by functional studies. The variant was absent in 243922 control chromosomes (gnomAD). c.1794+1G>C has been reported in at least one individual affected Familial idiopathic basal ganglia calcification (example: Hsu_2013). These data do not allow any conclusion about variant significance. To our knowledge, no experimental evidence demonstrating an impact on protein function has been reported. No clinical diagnostic laboratories have submitted clinical-significance assessments for this variant to ClinVar after 2014. Based on the evidence outlined above, the variant was classified as likely pathogenic.

Literature cited by the submitters: PubMed 23334463 (cited by Women's Health and Genetics/Laboratory Corporation of America, LabCorp).